The following is an entry in ClinVar:

ClinVar aggregate classification (germline): Likely benign (1 of 4 stars; one submission).

Conditions:
SIRT1-related disorder. Also called: SIRT1-related condition.

Submission:

PreventionGenetics, part of Exact Sciences
Classification: Likely benign for SIRT1-related condition. Last evaluated: 2026-03-15. Review status: criteria provided, single submitter. Criteria: ACMG Guidelines, 2015. Collection method: clinical testing. Allele origin: germline.
Comment: This variant is classified as likely benign based on ACMG/AMP sequence variant interpretation guidelines (Richards et al. 2015 PMID: 25741868, with internal and published modifications).

NM_012238.5(SIRT1):c.54G>A (p.Ala18=)

Genes: SIRT1 (sirtuin 1; plus strand), LOC107832851 (SIRT1 promoter region; plus strand). Cytogenetic location: 10q21.3.
Variant type: single nucleotide variant.
Coding change: c.54G>A on transcript NM_012238.5 (MANE Select); coding-DNA position 54, G replaced by A.
Protein change: p.Ala18=; no amino-acid change (alanine 18 retained).
Molecular consequence: synonymous variant.
Genome position (GRCh38, 1-based): chr10:67,884,775, G>A. VCF-style: chr10-67884775-G-A. GRCh37 (hg19) VCF-style: chr10-69644533-G-A.
Identifiers: ClinVar variation 4985662 (VCV004985662.1).